The following is an entry in ClinVar:

NM_000135.4(FANCA):c.3742A>C (p.Lys1248Gln)

Gene: FANCA (FA complementation group A; minus strand). Cytogenetic location: 16q24.3.
Variant type: single nucleotide variant.
Coding change: c.3742A>C on transcript NM_000135.4 (MANE Select); coding-DNA position 3742, A replaced by C.
Protein change: p.Lys1248Gln; replaces lysine 1248 with glutamine.
Molecular consequence: missense variant.
Genome position (GRCh38, 1-based): chr16:89,742,823, T>G on the plus strand (A>C on the coding strand, the complement: FANCA is on the minus strand). VCF-style: chr16-89742823-T-G. GRCh37 (hg19) VCF-style: chr16-89809231-T-G.
Other names: c.3742A>C, p.Lys1248Gln (NM_001286167.3); short protein forms K1248Q.
Identifiers: ClinVar variation 2974640 (VCV002974640.4), dbSNP rs2544105493, ClinGen allele CA397485321.

ClinVar aggregate classification (germline): Uncertain significance. Review status: criteria provided, multiple submitters, no conflicts (2 of 4 stars). 2 submissions from 2 submitters: Uncertain significance (2). Last evaluated 2025-05-08.

Conditions:
Inborn genetic diseases. Identifiers: MedGen C0950123, MeSH D030342.
Fanconi anemia (FA). Also called: Fanconi's anemia. Identifiers: Orphanet 84, MedGen C0015625, MeSH D005199, MONDO:0019391.

gnomAD v4.1: 1 of 1,614,184 alleles (0.000062%); no homozygotes.

Submissions (2):

Ambry Genetics
Classification: Uncertain significance for Inborn genetic diseases. Last evaluated: 2025-05-08. Review status: criteria provided, single submitter. Criteria: Ambry Variant Classification Scheme 2023. Collection method: clinical testing. Allele origin: germline.
Comment: The p.K1248Q variant (also known as c.3742A>C), located in coding exon 37 of the FANCA gene, results from an A to C substitution at nucleotide position 3742. The lysine at codon 1248 is replaced by glutamine, an amino acid with similar properties. This amino acid position is conserved. In addition, this alteration is predicted to be tolerated by in silico analysis. Based on the available evidence, the clinical significance of this variant remains unclear.

Labcorp Genetics (formerly Invitae), Labcorp
Classification: Uncertain significance for Fanconi anemia. Last evaluated: 2023-09-08. Review status: criteria provided, single submitter. Criteria: Invitae Variant Classification Sherloc (09022015). Collection method: clinical testing. Allele origin: germline.
Comment: In summary, the available evidence is currently insufficient to determine the role of this variant in disease. Therefore, it has been classified as a Variant of Uncertain Significance. Advanced modeling of protein sequence and biophysical properties (such as structural, functional, and spatial information, amino acid conservation, physicochemical variation, residue mobility, and thermodynamic stability) performed at Invitae indicates that this missense variant is not expected to disrupt FANCA protein function. This variant has not been reported in the literature in individuals affected with FANCA-related conditions. This variant is not present in population databases (gnomAD no frequency). This sequence change replaces lysine, which is basic and polar, with glutamine, which is neutral and polar, at codon 1248 of the FANCA protein (p.Lys1248Gln).